The following is an entry in ClinVar:

ClinVar aggregate classification (germline): Uncertain significance. Review status: criteria provided, multiple submitters, no conflicts (2 of 4 stars). 3 submissions from 3 submitters: Uncertain significance (2). 1 of the submissions does not count toward it. Last evaluated 2026-08-06.

Conditions:
MEGF10-related myopathy (CMYO10A). Also called: Congenital myopathy 10A, severe variant. Identifiers: Orphanet 439212, MedGen C3280679, MONDO:0013731, OMIM 614399.
Congenital myopathy 10b, mild variant. Also called: Myopathy, areflexia, respiratory distress, and dysphagia, early-onset, mild variant. Identifiers: MedGen C3541476, MONDO:0859515, OMIM 620249.

Allele frequency attached by ClinVar (database versions not stated): gnomAD 0.00001; gnomAD exomes 0.00001 and 0.00002; ExAC 0.00002; TOPMed 0.00003.

Submissions (3):

OLLIN Analises Genomicas, OLLIN
Classification: Uncertain significance for Congenital myopathy 10b, mild variant. Last evaluated: 2026-08-06. Review status: criteria provided, single submitter. Criteria: ACMG Guidelines 2015 PMID 25741868. Collection method: clinical testing. Allele origin: germline.
Comment: This missense variant, located in exon 3 (of 25), has been reported in ClinVar (accession VCV000030967.8) and in gnomAD with an allele frequency of 0.00093%. However, to our knowledge, it has not been reported in the scientific literature. In silico analysis predicts that this variant has a tolerated effect. According to the currently available evidence, this variant has been classified as uncertain significance (PM2_P, BP4).

Labcorp Genetics (formerly Invitae), Labcorp
Classification: Uncertain significance for MEGF10-related myopathy. Last evaluated: 2025-01-20. Review status: criteria provided, single submitter. Criteria: Invitae Variant Classification Sherloc (09022015). Collection method: clinical testing. Allele origin: germline.
Comment: This sequence change replaces arginine, which is basic and polar, with tryptophan, which is neutral and slightly polar, at codon 71 of the MEGF10 protein (p.Arg71Trp). This variant is present in population databases (rs387907074, gnomAD 0.006%). This missense change has been observed in individual(s) with clinical features of early-onset myopathy, areflexia, respiratory distress and dysphasia (EMARDD) (PMID: 22371254). ClinVar contains an entry for this variant (Variation ID: 30967). An algorithm developed to predict the effect of missense changes on protein structure and function (PolyPhen-2) suggests that this variant is likely to be disruptive. In summary, the available evidence is currently insufficient to determine the role of this variant in disease. Therefore, it has been classified as a Variant of Uncertain Significance.

OMIM
Classification: Pathogenic for CONGENITAL MYOPATHY 10B, MILD VARIANT. Last evaluated: 2012-05-01. Review status: no assertion criteria provided. Collection method: literature only. Allele origin: germline. Not counted in ClinVar's aggregate classification.

Literature cited by the submitters: PubMed 22371254 (cited by Labcorp Genetics (formerly Invitae), Labcorp and OMIM).

NM_001256545.2(MEGF10):c.211C>T (p.Arg71Trp)

Gene: MEGF10 (multiple EGF like domains 10; plus strand). Cytogenetic location: 5q23.2.
Variant type: single nucleotide variant.
Coding change: c.211C>T on transcript NM_001256545.2 (MANE Select); coding-DNA position 211, C replaced by T.
Protein change: p.Arg71Trp; replaces arginine 71 with tryptophan.
Molecular consequence: missense variant.
Genome position (GRCh38, 1-based): chr5:127,339,214, C>T. VCF-style: chr5-127339214-C-T. GRCh37 (hg19) VCF-style: chr5-126674906-C-T.
Other names: c.211C>T, p.Arg71Trp (NM_001308119.2, NM_001308121.2, NM_032446.3); short protein forms R71W.
Identifiers: ClinVar variation 30967 (VCV000030967.9), dbSNP rs387907074, ClinGen allele CA129576.